The following is an entry in ClinVar:

NM_000038.6(APC):c.3682C>G (p.Gln1228Glu)

Gene: APC (APC regulator of Wnt signaling pathway; plus strand). Cytogenetic location: 5q22.2.
Variant type: single nucleotide variant.
Coding change: c.3682C>G on transcript NM_000038.6 (MANE Select); coding-DNA position 3682, C replaced by G.
Protein change: p.Gln1228Glu; replaces glutamine 1228 with glutamic acid.
Molecular consequence: missense variant.
Genome position (GRCh38, 1-based): chr5:112,839,276, C>G. VCF-style: chr5-112839276-C-G. GRCh37 (hg19) VCF-style: chr5-112174973-C-G.
Other names: c.3682C>G, p.Gln1228Glu (NM_001127510.3, NM_001354895.2); c.3628C>G, p.Gln1210Glu (NM_001127511.3); c.3736C>G, p.Gln1246Glu (NM_001354896.2); c.3712C>G, p.Gln1238Glu (NM_001354897.2); c.3607C>G, p.Gln1203Glu (NM_001354898.2); c.3598C>G, p.Gln1200Glu (NM_001354899.2); c.3559C>G, p.Gln1187Glu (NM_001354900.2); c.3505C>G, p.Gln1169Glu (NM_001354901.2); and 5 more; short protein forms Q1203E, Q945E, Q1102E, Q1127E, Q1187E, Q1200E, Q1210E, Q1068E.
Identifiers: ClinVar variation 1470192 (VCV001470192.7), dbSNP rs1554085227, ClinGen allele CA16029414.

ClinVar aggregate classification (germline): Uncertain significance. Review status: criteria provided, multiple submitters, no conflicts (2 of 4 stars). 2 submissions from 2 submitters: Uncertain significance (2). Last evaluated 2024-12-25.

Conditions:
Hereditary cancer-predisposing syndrome. Also called: Tumor predisposition; Hereditary Cancer Syndrome; Hereditary neoplastic syndrome; Neoplastic Syndromes, Hereditary. Identifiers: Orphanet 140162, MedGen C0027672, MeSH D009386, MONDO:0015356.
Familial adenomatous polyposis 1 (FAP1). Also called: FAMILIAL ADENOMATOUS POLYPOSIS 1, ATTENUATED; POLYPOSIS, ADENOMATOUS INTESTINAL. Identifiers: MedGen C2713442, MONDO:0021056, OMIM 175100. Disease mechanism: loss of function.

Submissions (2):

Labcorp Genetics (formerly Invitae), Labcorp
Classification: Uncertain significance for Familial adenomatous polyposis 1. Last evaluated: 2024-12-25. Review status: criteria provided, single submitter. Criteria: Invitae Variant Classification Sherloc (09022015). Collection method: clinical testing. Allele origin: germline.
Comment: This sequence change replaces glutamine, which is neutral and polar, with glutamic acid, which is acidic and polar, at codon 1228 of the APC protein (p.Gln1228Glu). This variant is not present in population databases (gnomAD no frequency). This variant has not been reported in the literature in individuals affected with APC-related conditions. ClinVar contains an entry for this variant (Variation ID: 1470192). Invitae Evidence Modeling of protein sequence and biophysical properties (such as structural, functional, and spatial information, amino acid conservation, physicochemical variation, residue mobility, and thermodynamic stability) indicates that this missense variant is not expected to disrupt APC protein function with a negative predictive value of 95%. In summary, the available evidence is currently insufficient to determine the role of this variant in disease. Therefore, it has been classified as a Variant of Uncertain Significance.

Color Diagnostics, LLC DBA Color Health
Classification: Uncertain significance for Hereditary cancer-predisposing syndrome. Last evaluated: 2024-03-10. Review status: criteria provided, single submitter. Criteria: ACMG Guidelines, 2015. Collection method: clinical testing. Allele origin: germline.
Comment: This missense variant replaces glutamine with glutamic acid at codon 1228 of the APC protein. Computational prediction suggests that this variant may not impact protein structure and function (internally defined REVEL score threshold <= 0.5, PMID: 27666373). To our knowledge, functional studies have not been reported for this variant. This variant has not been reported in individuals affected with APC-related disorders in the literature. This variant has not been identified in the general population by the Genome Aggregation Database (gnomAD). The available evidence is insufficient to determine the role of this variant in disease conclusively. Therefore, this variant is classified as a Variant of Uncertain Significance.